The following is an entry in ClinVar:

NM_000539.3(RHO):c.*232A>G

Gene: RHO (rhodopsin; plus strand). Cytogenetic location: 3q22.1.
Variant type: single nucleotide variant.
Coding change: c.*232A>G on transcript NM_000539.3 (MANE Select); 232 bases downstream of the stop codon, A replaced by G.
Molecular consequence: 3 prime UTR variant.
Genome position (GRCh38, 1-based): chr3:129,533,950, A>G. VCF-style: chr3-129533950-A-G. GRCh37 (hg19) VCF-style: chr3-129252793-A-G.
Identifiers: ClinVar variation 343290 (VCV000343290.6), dbSNP rs2410, ClinGen allele CA10614849.

ClinVar aggregate classification (germline): Benign. Review status: criteria provided, multiple submitters, no conflicts (2 of 4 stars). 3 submissions from 2 submitters: Benign (3). Last evaluated 2018-01-12.

Conditions:
Congenital stationary night blindness autosomal dominant 1. Also called: NIGHT BLINDNESS, CONGENITAL STATIONARY, RHODOPSIN-RELATED. Identifiers: Orphanet 215, MedGen C1864869, MONDO:0012498, OMIM 610445.
Retinitis pigmentosa (RP). Identifiers: Orphanet 791, MedGen C0035334, MeSH D012174, MONDO:0019200, OMIM 268000. Inheritance: Autosomal dominant, autosomal recessive and X linked inheritance.

Allele frequency attached by ClinVar (database versions not stated): gnomAD exomes 0.07757; gnomAD 0.12892 and 0.13354; TOPMed 0.15160; 1000 Genomes Project 0.26558; 1000 Genomes Project 30x 0.26718.

Submissions (3):

Illumina Laboratory Services, Illumina
Classification: Benign for Retinitis pigmentosa. Last evaluated: 2018-01-12. Review status: criteria provided, single submitter. Criteria: ICSL Variant Classification Criteria 13 December 2019. Collection method: clinical testing. Allele origin: germline.
Comment: This variant was observed in the ICSL laboratory as part of a predisposition screen in an ostensibly healthy population. It had not been previously curated by ICSL or reported in the Human Gene Mutation Database (HGMD: prior to June 1st, 2018), and was therefore a candidate for classification through an automated scoring system. Utilizing variant allele frequency, disease prevalence and penetrance estimates, and inheritance mode, an automated score was calculated to assess if this variant is too frequent to cause the disease. Based on the score and internal cut-off values, a variant classified as benign is not then subjected to further curation. The score for this variant resulted in a classification of benign for this disease.

Illumina Laboratory Services, Illumina
Classification: Benign for Congenital stationary night blindness autosomal dominant 1. Last evaluated: 2018-01-12. Review status: criteria provided, single submitter. Criteria: ICSL Variant Classification Criteria 13 December 2019. Collection method: clinical testing. Allele origin: germline.
Comment: the same text as in the submission from Illumina Laboratory Services, Illumina above.

Breakthrough Genomics
Classification: Benign. Review status: criteria provided, single submitter. Criteria: ACMG Guidelines, 2015. Collection method: not provided. Allele origin: germline. Inheritance: Autosomal dominant inheritance. Affected: yes.